The following is an entry in ClinVar:

ClinVar aggregate classification (germline): Uncertain significance. Review status: criteria provided, multiple submitters, no conflicts (2 of 4 stars). 4 submissions from 4 submitters: Uncertain significance (4). Last evaluated 2025-08-12.

Conditions:
Inborn genetic diseases. Identifiers: MedGen C0950123, MeSH D030342.
Cerebellar ataxia, impaired intellectual development, and dysequilibrium syndrome 4. Also called: CEREBELLAR ATAXIA AND MENTAL RETARDATION WITH OR WITHOUT QUADRUPEDAL LOCOMOTION 4; Cerebellar ataxia, mental retardation, and dysequilibrium syndrome 4; Cerebellar ataxia, intellectual disability, and dysequilibrium syndrome 4. Identifiers: Orphanet 1766, MedGen C3808977, MONDO:0014104, OMIM 615268.

Allele frequency attached by ClinVar (database versions not stated): ESP Exome Variant Server 0.00009; gnomAD exomes 0.00006 and 0.00008; ExAC 0.00006; gnomAD 0.00008 and 0.00007; TOPMed 0.00008.
gnomAD v4.1: 94 of 1,515,680 alleles (0.0062%); highest among the groups gnomAD compares: Non-Finnish European, 0.0077%; no homozygotes.

Submissions (4):

Ambry Genetics
Classification: Uncertain significance for Inborn genetic diseases. Last evaluated: 2025-08-12. Review status: criteria provided, single submitter. Criteria: Ambry Variant Classification Scheme 2023. Collection method: clinical testing. Allele origin: germline.

Mayo Clinic Laboratories, Mayo Clinic
Classification: Uncertain significance. Last evaluated: 2023-10-24. Review status: criteria provided, single submitter. Criteria: ACMG Guidelines, 2015. Collection method: clinical testing. Allele origin: germline. Observed: 1 variant allele.
Comment: PM2_moderate

Blueprint Genetics
Classification: Uncertain significance. Last evaluated: 2020-04-07. Review status: criteria provided, single submitter. Criteria: ACMG Guidelines, 2015. Collection method: clinical testing. Allele origin: germline.

Genomic Research Center, Shahid Beheshti University of Medical Sciences
Classification: Uncertain significance for Cerebellar ataxia, impaired intellectual development, and dysequilibrium syndrome 4. Last evaluated: 2018-03-05. Review status: criteria provided, single submitter. Criteria: ACMG Guidelines, 2015. Collection method: clinical testing. Allele origin: inherited. Affected: no. Observed: 1 variant allele.

NM_016529.6(ATP8A2):c.3439C>T (p.Arg1147Trp)

Gene: ATP8A2 (ATPase phospholipid transporting 8A2). Cytogenetic location: 13q12.13.
Variant type: single nucleotide variant.
Coding change: c.3439C>T on transcript NM_016529.6 (MANE Select); coding-DNA position 3439, C replaced by T.
Protein change: p.Arg1147Trp; replaces arginine 1147 with tryptophan.
Molecular consequence: missense variant.
Genome position (GRCh38, 1-based): chr13:26,012,592, C>T. VCF-style: chr13-26012592-C-T. GRCh37 (hg19) VCF-style: chr13-26586730-C-T.
Other names: p.Arg1147Trp; c.3244C>T, p.Arg1082Trp (NM_001313741.1); c.3439C>T (NM_016529.4); short protein forms R1147W, R1082W.
Identifiers: ClinVar variation 548590 (VCV000548590.11), dbSNP rs371560228, ClinGen allele CA6923731.